The following is an entry in ClinVar:

ClinVar aggregate classification (germline): Likely benign (1 of 4 stars; one submission).

Conditions:
DYRK1B-related disorder. Also called: DYRK1B-related condition.

gnomAD v4.1: 1 of 1,528,382 alleles (0.000065%); highest among the groups gnomAD compares: Non-Finnish European, 0.000088%; no homozygotes.

Submission:

PreventionGenetics, part of Exact Sciences
Classification: Likely benign for DYRK1B-related condition. Last evaluated: 2024-10-11. Review status: criteria provided, single submitter. Criteria: ACMG Guidelines, 2015. Collection method: clinical testing. Allele origin: germline.
Comment: This variant is classified as likely benign based on ACMG/AMP sequence variant interpretation guidelines (Richards et al. 2015 PMID: 25741868, with internal and published modifications).

NM_004714.3(DYRK1B):c.18C>G (p.Gly6=)

Gene: DYRK1B (dual specificity tyrosine phosphorylation regulated kinase 1B; minus strand). Cytogenetic location: 19q13.2.
Variant type: single nucleotide variant.
Coding change: c.18C>G on transcript NM_004714.3 (MANE Select); coding-DNA position 18, C replaced by G.
Protein change: p.Gly6=; no amino-acid change (glycine 6 retained).
Molecular consequence: synonymous variant.
Genome position (GRCh38, 1-based): chr19:39,831,850, G>C on the plus strand (C>G on the coding strand, the complement: DYRK1B is on the minus strand). VCF-style: chr19-39831850-G-C. GRCh37 (hg19) VCF-style: chr19-40322490-G-C.
Other names: c.18C>G, p.Gly6= (NM_006483.3, NM_006484.3).
Identifiers: ClinVar variation 5000309 (VCV005000309.1).
Genomic context (GRCh38, chr19:39,831,850, plus strand): 5'-CAGCTGAACGCGTACCTGCGTGTGCTCCTGGGGCCCTGGGAAGCCAGAGAAGGGACCATG[G>C]CCCGGTGGGACGGCCATGGTGGGCTCAGAGGGCCGCAGGGGAGCGAGGCCTGGAGCGGGA-3'
Protein context (NP_004705.1, residues 1-16): MAVPP[Gly6=]HGPFSGFPGP